The following is an entry in ClinVar:

NM_001165963.4(SCN1A):c.4002+2509G>A

Genes: SCN1A (sodium voltage-gated channel alpha subunit 1; minus strand), LOC102724058 (uncharacterized LOC102724058; plus strand). Cytogenetic location: 2q24.3.
Variant type: single nucleotide variant.
Coding change: c.4002+2509G>A on transcript NM_001165963.4 (MANE Select); 2509 bases into the intron after coding-DNA position 4002, G replaced by A.
Molecular consequence: intron variant.
Genome position (GRCh38, 1-based): chr2:166,007,210, C>T on the plus strand (G>A on the coding strand, the complement: SCN1A is on the minus strand). VCF-style: chr2-166007210-C-T. GRCh37 (hg19) VCF-style: chr2-166863720-C-T.
Other names: c.3969+2509G>A (NM_001353949.2, NM_001353950.2, NM_001353951.2 and 2 more transcripts); c.3918+2509G>A (NM_001353958.2, NM_001353957.2, NM_001165964.3); c.4002+2509G>A (NM_001202435.3, NM_001353948.2); c.3966+2509G>A (NM_001353955.2, NM_001353954.2); c.3915+2509G>A (NM_001353960.2); c.1560+2509G>A (NM_001353961.2).
Identifiers: ClinVar variation 2841327 (VCV002841327.3), dbSNP rs2468471050, ClinGen allele CA2661757221.

ClinVar aggregate classification (germline): Uncertain significance (1 of 4 stars; one submission).

Conditions:
Early-infantile DEE. Also called: Early infantile epileptic encephalopathy; Early infantile epileptic encephalopathy with suppression bursts; Ohtahara syndrome. Identifiers: Orphanet 1934, MedGen C0393706, MONDO:0800491.

Submission:

Labcorp Genetics (formerly Invitae), Labcorp
Classification: Uncertain significance for Early-infantile DEE. Last evaluated: 2024-05-15. Review status: criteria provided, single submitter. Criteria: Invitae Variant Classification Sherloc (09022015). Collection method: clinical testing. Allele origin: germline.
Comment: This sequence change falls in intron 20 of the SCN1A gene. It does not directly change the encoded amino acid sequence of the SCN1A protein. However, this sequence change falls within a region encompassing a cryptic exon in the SCN1A gene, in which variants have been shown to alter splicing (PMID: 30526861, 34107977). This variant is not present in population databases (gnomAD no frequency). This variant has not been reported in the literature in individuals affected with SCN1A-related conditions. Algorithms developed to predict the effect of sequence changes on RNA splicing suggest that this variant is not likely to affect RNA splicing. In summary, the available evidence is currently insufficient to determine the role of this variant in disease. Therefore, it has been classified as a Variant of Uncertain Significance.

Literature cited by the submitters: PubMed 30526861; PubMed 34107977.